The following is an entry in ClinVar:

ClinVar aggregate classification (germline): Uncertain significance (1 of 4 stars; one submission).

Submission:

Labcorp Genetics (formerly Invitae), Labcorp
Classification: Uncertain significance. Last evaluated: 2021-04-16. Review status: criteria provided, single submitter. Criteria: Invitae Variant Classification Sherloc (09022015). Collection method: clinical testing. Allele origin: germline.
Comment: In summary, the available evidence is currently insufficient to determine the role of this variant in disease. Therefore, it has been classified as a Variant of Uncertain Significance. Algorithms developed to predict the effect of missense changes on protein structure and function (SIFT, PolyPhen-2, Align-GVGD) all suggest that this variant is likely to be tolerated, but these predictions have not been confirmed by published functional studies and their clinical significance is uncertain. This variant has not been reported in the literature in individuals with SULF1-related conditions. This variant is not present in population databases (ExAC no frequency). This sequence change replaces glutamine with histidine at codon 588 of the SULF1 protein (p.Gln588His). The glutamine residue is moderately conserved and there is a small physicochemical difference between glutamine and histidine.

NM_001128205.2(SULF1):c.1764G>T (p.Gln588His)

Gene: SULF1 (sulfatase 1; plus strand). Cytogenetic location: 8q13.3.
Variant type: single nucleotide variant.
Coding change: c.1764G>T on transcript NM_001128205.2 (MANE Select); coding-DNA position 1764, G replaced by T.
Protein change: p.Gln588His; replaces glutamine 588 with histidine.
Molecular consequence: missense variant. On other transcripts: non-coding transcript variant (3).
Genome position (GRCh38, 1-based): chr8:69,624,111, G>T. VCF-style: chr8-69624111-G-T. GRCh37 (hg19) VCF-style: chr8-70536346-G-T.
Other names: c.1764G>T, p.Gln588His (NM_001128204.2, NM_001128206.2, NM_015170.3); short protein forms Q588H.
Identifiers: ClinVar variation 1385225 (VCV001385225.8), dbSNP rs2130570042, ClinGen allele CA371229870.